The following is an entry in ClinVar:

ClinVar aggregate classification (germline): Uncertain significance (1 of 4 stars; one submission).

Conditions:
Epilepsy, familial adult myoclonic, 5 (EPEO5). Also called: CORTICAL MYOCLONIC TREMOR WITH EPILEPSY, FAMILIAL, 5. Identifiers: Orphanet 86814, MedGen C3809374, MONDO:0014167, OMIM 615400.

Allele frequency attached by ClinVar (database versions not stated): gnomAD 0.00002; gnomAD exomes 0.00002 and 0.00004; TOPMed 0.00002; ExAC 0.00004.
gnomAD v4.1: 29 of 1,613,876 alleles (0.0018%); highest among the groups gnomAD compares: Middle Eastern, 0.033%; no homozygotes.

Submission:

Labcorp Genetics (formerly Invitae), Labcorp
Classification: Uncertain significance for Epilepsy, familial adult myoclonic, 5. Last evaluated: 2022-11-02. Review status: criteria provided, single submitter. Criteria: Invitae Variant Classification Sherloc (09022015). Collection method: clinical testing. Allele origin: germline.
Comment: This sequence change replaces proline, which is neutral and non-polar, with leucine, which is neutral and non-polar, at codon 282 of the CNTN2 protein (p.Pro282Leu). This variant is present in population databases (rs778415451, gnomAD 0.009%). This variant has not been reported in the literature in individuals affected with CNTN2-related conditions. ClinVar contains an entry for this variant (Variation ID: 971403). Advanced modeling of protein sequence and biophysical properties (such as structural, functional, and spatial information, amino acid conservation, physicochemical variation, residue mobility, and thermodynamic stability) performed at Invitae indicates that this missense variant is not expected to disrupt CNTN2 protein function. In summary, the available evidence is currently insufficient to determine the role of this variant in disease. Therefore, it has been classified as a Variant of Uncertain Significance.

NM_005076.5(CNTN2):c.845C>T (p.Pro282Leu)

Gene: CNTN2 (contactin 2; plus strand). Cytogenetic location: 1q32.1.
Variant type: single nucleotide variant.
Coding change: c.845C>T on transcript NM_005076.5 (MANE Select); coding-DNA position 845, C replaced by T.
Protein change: p.Pro282Leu; replaces proline 282 with leucine.
Molecular consequence: missense variant. On other transcripts: non-coding transcript variant (1).
Genome position (GRCh38, 1-based): chr1:205,061,292, C>T. VCF-style: chr1-205061292-C-T. GRCh37 (hg19) VCF-style: chr1-205030420-C-T.
Other names: c.845C>T, p.Pro282Leu (NM_001346083.2); short protein forms P282L.
Identifiers: ClinVar variation 971403 (VCV000971403.5), dbSNP rs778415451, ClinGen allele CA1351175.
Genomic context (GRCh38, chr1:205,061,292, plus strand): 5'-TCTCTCCTGCCAGCCCTGTCCCCCGGATCAAGTGGCGCAAAGTGGACGGCTCCCTGTCCC[C>T]GCAGTGGACCACAGCTGAGCCCACCCTGCAGATCCCCAGCGTCAGCTTTGAGGATGAGGG-3'
Protein context (NP_005067.1, residues 272-292): KWRKVDGSLS[Pro282Leu]QWTTAEPTLQ